The following is an entry in ClinVar:

NM_001203.3(BMPR1B):c.524C>T (p.Ser175Phe)

Gene: BMPR1B (bone morphogenetic protein receptor type 1B; plus strand). Cytogenetic location: 4q22.3.
Variant type: single nucleotide variant.
Coding change: c.524C>T on transcript NM_001203.3 (MANE Select); coding-DNA position 524, C replaced by T.
Protein change: p.Ser175Phe; replaces serine 175 with phenylalanine.
Molecular consequence: missense variant.
Genome position (GRCh38, 1-based): chr4:95,125,060, C>T. VCF-style: chr4-95125060-C-T. GRCh37 (hg19) VCF-style: chr4-96046211-C-T.
Other names: c.524C>T, p.Ser175Phe (NM_001256792.2, NM_001256794.1); c.614C>T, p.Ser205Phe (NM_001256793.2); short protein forms S175F, S205F.
Identifiers: ClinVar variation 2924611 (VCV002924611.3), dbSNP rs367777041, ClinGen allele CA357680259.

ClinVar aggregate classification (germline): Uncertain significance (1 of 4 stars; one submission).

Conditions:
Type A2 brachydactyly (BDA2). Also called: BRACHYMESOPHALANGY II; Brachymesophalangy type 2; MOHR-WRIEDT TYPE BRACHYDACTYLY. Identifiers: Orphanet 93396, MedGen C1832702, MONDO:0007216, OMIM 112600, HP:0009372.
Acromesomelic dysplasia 3 (AMD3). Also called: Acromesomelic dysplasia, Demirhan type; CHONDRODYSPLASIA, ACROMESOMELIC, WITH OR WITHOUT GENITAL ANOMALIES. Identifiers: MedGen C4225404, MONDO:0012274, OMIM 609441.

Allele frequency attached by ClinVar (database versions not stated): TOPMed below 0.00001.
gnomAD v4.1: 8 of 1,613,786 alleles (0.0005%); highest among the groups gnomAD compares: Non-Finnish European, 0.00059%; no homozygotes.

Submission:

Labcorp Genetics (formerly Invitae), Labcorp
Classification: Uncertain significance for Type A2 brachydactyly; Acromesomelic dysplasia 3. Last evaluated: 2023-07-26. Review status: criteria provided, single submitter. Criteria: Invitae Variant Classification Sherloc (09022015). Collection method: clinical testing. Allele origin: germline.
Comment: This sequence change replaces serine, which is neutral and polar, with phenylalanine, which is neutral and non-polar, at codon 175 of the BMPR1B protein (p.Ser175Phe). This variant is not present in population databases (gnomAD no frequency). This variant has not been reported in the literature in individuals affected with BMPR1B-related conditions. Advanced modeling of protein sequence and biophysical properties (such as structural, functional, and spatial information, amino acid conservation, physicochemical variation, residue mobility, and thermodynamic stability) performed at Invitae indicates that this missense variant is not expected to disrupt BMPR1B protein function. In summary, the available evidence is currently insufficient to determine the role of this variant in disease. Therefore, it has been classified as a Variant of Uncertain Significance.